The following is an entry in ClinVar:

ClinVar aggregate classification (germline): Uncertain significance. Review status: criteria provided, multiple submitters, no conflicts (2 of 4 stars). 3 submissions from 3 submitters: Uncertain significance (3). Last evaluated 2025-09-05.

Conditions:
Cardiovascular phenotype. Identifiers: MedGen CN230736.
Progressive familial heart block type IB (PFHB1B). Identifiers: Orphanet 871, MedGen C1970298, MONDO:0011474, OMIM 604559.

Allele frequency attached by ClinVar (database versions not stated): TOPMed 0.00002; gnomAD 0.00003; ESP Exome Variant Server 0.00015.
gnomAD v4.1: 60 of 1,613,020 alleles (0.0037%); highest among the groups gnomAD compares: Middle Eastern, 0.066%; no homozygotes.

Submissions (3):

Labcorp Genetics (formerly Invitae), Labcorp
Classification: Uncertain significance for Progressive familial heart block type IB. Last evaluated: 2025-09-05. Review status: criteria provided, single submitter. Criteria: Invitae Variant Classification Sherloc (09022015). Collection method: clinical testing. Allele origin: germline.
Comment: This sequence change replaces serine, which is neutral and polar, with cysteine, which is neutral and slightly polar, at codon 1145 of the TRPM4 protein (p.Ser1145Cys). This variant is present in population databases (rs375682523, gnomAD 0.004%). This variant has not been reported in the literature in individuals affected with TRPM4-related conditions. ClinVar contains an entry for this variant (Variation ID: 664821). An algorithm developed to predict the effect of missense changes on protein structure and function (PolyPhen-2) suggests that this variant is likely to be disruptive. In summary, the available evidence is currently insufficient to determine the role of this variant in disease. Therefore, it has been classified as a Variant of Uncertain Significance.

Ambry Genetics
Classification: Uncertain significance for Cardiovascular phenotype. Last evaluated: 2024-11-10. Review status: criteria provided, single submitter. Criteria: Ambry Variant Classification Scheme 2023. Collection method: clinical testing. Allele origin: germline.
Comment: The p.S1145C variant (also known as c.3434C>G), located in coding exon 22 of the TRPM4 gene, results from a C to G substitution at nucleotide position 3434. The serine at codon 1145 is replaced by cysteine, an amino acid with dissimilar properties. This amino acid position is not well conserved in available vertebrate species. In addition, this alteration is predicted to be tolerated by in silico analysis. Since supporting evidence is limited at this time, the clinical significance of this alteration remains unclear.

GeneDx
Classification: Uncertain significance. Last evaluated: 2021-12-17. Review status: criteria provided, single submitter. Criteria: GeneDx Variant Classification Process June 2021. Collection method: clinical testing. Allele origin: germline. Affected: yes.
Comment: Has not been previously published as pathogenic or benign to our knowledge; Not observed at a significant frequency in large population cohorts (Lek et al., 2016); In silico analysis, which includes protein predictors and evolutionary conservation, supports a deleterious effect; Reported in ClinVar as a variant of uncertain significance (ClinVar Variant ID# 664821; Landrum et al., 2016)

NM_017636.4(TRPM4):c.3434C>G (p.Ser1145Cys)

Gene: TRPM4 (transient receptor potential cation channel subfamily M member 4; plus strand). Cytogenetic location: 19q13.33.
Variant type: single nucleotide variant.
Coding change: c.3434C>G on transcript NM_017636.4 (MANE Select); coding-DNA position 3434, C replaced by G.
Protein change: p.Ser1145Cys; replaces serine 1145 with cysteine.
Molecular consequence: missense variant.
Genome position (GRCh38, 1-based): chr19:49,210,815, C>G. VCF-style: chr19-49210815-C-G. GRCh37 (hg19) VCF-style: chr19-49714072-C-G.
Other names: c.2999C>G, p.Ser1000Cys (NM_001195227.2); c.3089C>G, p.Ser1030Cys (NM_001321281.2); c.1826C>G, p.Ser609Cys (NM_001321282.2); c.2912C>G, p.Ser971Cys (NM_001321283.2); c.2372C>G, p.Ser791Cys (NM_001321285.2); short protein forms S1145C, S1030C, S1000C, S609C, S791C, S971C.
Identifiers: ClinVar variation 664821 (VCV000664821.16), dbSNP rs375682523, ClinGen allele CA9569901.